The following is an entry in ClinVar:

ClinVar aggregate classification (germline): Likely pathogenic. Review status: reviewed by expert panel (3 of 4 stars). 3 submissions from 3 submitters: Likely pathogenic (1). 2 of the submissions do not count toward it. Last evaluated 2026-03-23.

Conditions:
Autosomal recessive limb-girdle muscular dystrophy. Identifiers: Orphanet 102015, MedGen C2931907, MONDO:0015152.
Neuromuscular disease caused by qualitative or quantitative defects of dysferlin. Also called: Qualitative or quantitative defects of dysferlin; Dysferlinopathy. Identifiers: Orphanet 207073, MedGen C2931687, MONDO:0016145.

Submissions (3):

ClinGen Limb Girdle Muscular Dystrophy Variant Curation Expert Panel, ClinGen
Classification: Likely pathogenic for Autosomal recessive limb-girdle muscular dystrophy. Last evaluated: 2026-03-23. Review status: reviewed by expert panel. Criteria: ClinGen LGMD VCEP ACMG Specifications DYSF V2.0.0. Collection method: curation. Allele origin: germline. Inheritance: Autosomal recessive inheritance.
Comment: The NM_003494.4: c.5015C>T variant in DYSF, which is also known as NM_001130987.2: c.5132C>T p.(Ser1711Phe), is a missense variant predicted to cause substitution of serine to phenylalanine at amino acid 1672, p.(Ser1672Phe). This variant has been reported in at least two patients with features consistent with LGMD (PMID: 33927379, 32528171; LOVD DYSF_001234), where it was identified in unconfirmed phase with a pathogenic variant in both (NM_003494.4: c.797G>A (p.Gly266Glu), 0.5 pts, MYO-SEQ internal data communication, PMID: 32528171; c.799_800del p.(Phe267LeufsTer5), 0.5 pts, PMID: 33927379, LOVD Individuals #00327046 and #0032760) (PM3). At least one of these individuals displayed progressive limb girdle muscle weakness and absent dysferlin on muscle biopsy (PMID: 32528171, MYO-SEQ internal data communication; PP4_Strong). This variant is absent from gnomAD v.4.1.0, meeting the criteria for PM2_Supporting. The computational predictor REVEL gives a score of 0.592, which is below the LGMD VCEP threshold of ≥0.70 (PP3 not met). In summary, this variant meets the criteria to be classified as Likely pathogenic for autosomal recessive limb-girdle muscular dystrophy based on the ACMG/AMP criteria applied, as specified by the ClinGen LGMD VCEP (LGMD VCEP specifications version 2.0.0; 03/23/2026): PM3, PP4_Strong, PM2_Supporting.

Women's Health and Genetics/Laboratory Corporation of America, LabCorp
Classification: Uncertain significance. Last evaluated: 2025-08-01. Review status: criteria provided, single submitter. Criteria: LabCorp Variant Classification Summary - May 2015. Collection method: clinical testing. Allele origin: germline. Not counted in ClinVar's aggregate classification.
Comment: Variant summary: DYSF c.5015C>T (p.Ser1672Phe) results in a non-conservative amino acid change in the encoded protein sequence. Algorithms developed to predict the effect of missense changes on protein structure and function are either unavailable or do not agree on the potential impact of this missense change. The variant was absent in 251484 control chromosomes (gnomAD). c.5015C>T has been observed in compound heterozygous individuals affected with dysferlinopathy (Charnay_2021), and in an individual with unspecified muscle disease phenotype, without a second variant (Topf_2020). One of these studies noted that dysferlin was severely decreased on western blot in patient derived samples (Charnay_2021). These data indicate that the variant may be associated with disease. To our knowledge, no experimental evidence demonstrating an impact on protein function has been reported. The following publications have been ascertained in the context of this evaluation (PMID: 33927379, 32528171). ClinVar contains an entry for this variant (Variation ID: 3677022). Based on the evidence outlined above, the variant was classified as VUS-possibly pathogenic.

Labcorp Genetics (formerly Invitae), Labcorp
Classification: Likely pathogenic for Neuromuscular disease caused by qualitative or quantitative defects of dysferlin. Last evaluated: 2024-02-05. Review status: criteria provided, single submitter. Criteria: Invitae Variant Classification Sherloc (09022015). Collection method: clinical testing. Allele origin: germline. Not counted in ClinVar's aggregate classification.
Comment: This sequence change replaces serine, which is neutral and polar, with phenylalanine, which is neutral and non-polar, at codon 1672 of the DYSF protein (p.Ser1672Phe). This variant is not present in population databases (gnomAD no frequency). This missense change has been observed in individual(s) with dysferlinopathy and/or limb-girdle weakness (PMID: 32528171, 33927379). This variant is also known as S1711F. Advanced modeling of protein sequence and biophysical properties (such as structural, functional, and spatial information, amino acid conservation, physicochemical variation, residue mobility, and thermodynamic stability) performed at Invitae indicates that this missense variant is expected to disrupt DYSF protein function with a positive predictive value of 95%. In summary, the currently available evidence indicates that the variant is pathogenic, but additional data are needed to prove that conclusively. Therefore, this variant has been classified as Likely Pathogenic.

Literature cited by the submitters: PubMed 32528171 (cited by Women's Health and Genetics/Laboratory Corporation of America, LabCorp and Labcorp Genetics (formerly Invitae), Labcorp); PubMed 33927379 (cited by Women's Health and Genetics/Laboratory Corporation of America, LabCorp and Labcorp Genetics (formerly Invitae), Labcorp).

NM_001130987.2(DYSF):c.5132C>T (p.Ser1711Phe)

Gene: DYSF (dysferlin; plus strand). Cytogenetic location: 2p13.2.
Variant type: single nucleotide variant.
Coding change: c.5132C>T on transcript NM_001130987.2 (MANE Select); coding-DNA position 5132, C replaced by T.
Protein change: p.Ser1711Phe; replaces serine 1711 with phenylalanine.
Molecular consequence: missense variant.
Genome position (GRCh38, 1-based): chr2:71,664,396, C>T. VCF-style: chr2-71664396-C-T. GRCh37 (hg19) VCF-style: chr2-71891526-C-T.
Other names: NM_001130987.2(DYSF):c.5132C>T; p.Ser1711Phe; c.5129C>T, p.Ser1710Phe (NM_001130981.2); c.5111C>T, p.Ser1704Phe (NM_001130982.2); c.5081C>T, p.Ser1694Phe (NM_001130983.2); c.5039C>T, p.Ser1680Phe (NM_001130984.2); c.5069C>T, p.Ser1690Phe (NM_001130985.2); c.4976C>T, p.Ser1659Phe (NM_001130986.2); and 7 more; short protein forms S1689F, S1690F, S1694F, S1658F, S1693F, S1704F, S1711F, S1659F.
Identifiers: ClinVar variation 3677022 (VCV003677022.6).